The following is an entry in ClinVar:

NM_004360.5(CDH1):c.1051C>G (p.Gln351Glu)

Gene: CDH1 (cadherin 1; plus strand). Cytogenetic location: 16q22.1.
Variant type: single nucleotide variant.
Coding change: c.1051C>G on transcript NM_004360.5 (MANE Select); coding-DNA position 1051, C replaced by G.
Protein change: p.Gln351Glu; replaces glutamine 351 with glutamic acid.
Molecular consequence: missense variant. On other transcripts: 5 prime UTR variant (2).
Genome position (GRCh38, 1-based): chr16:68,812,177, C>G. VCF-style: chr16-68812177-C-G. GRCh37 (hg19) VCF-style: chr16-68846080-C-G.
Other names: c.1051C>G, p.Gln351Glu (NM_001317184.2); c.-565C>G (NM_001317185.2); c.-769C>G (NM_001317186.2); short protein forms Q351E.
Identifiers: ClinVar variation 860214 (VCV000860214.16), dbSNP rs1555515726, ClinGen allele CA396459999.

ClinVar aggregate classification (germline): Uncertain significance. Review status: criteria provided, multiple submitters, no conflicts (2 of 4 stars). 2 submissions from 2 submitters: Uncertain significance (2). Last evaluated 2025-03-04.

Conditions:
Hereditary diffuse gastric adenocarcinoma (HDGC). Also called: DIFFUSE GASTRIC AND LOBULAR BREAST CANCER SYNDROME. Identifiers: Orphanet 26106, MedGen C1708349, MONDO:0007648, OMIM 137215.

Submissions (2):

Center for Genomic Medicine, Rigshospitalet, Copenhagen University Hospital
Classification: Uncertain significance. Last evaluated: 2025-03-04. Review status: criteria provided, single submitter. Criteria: ACMG Guidelines, 2015. Collection method: clinical testing. Allele origin: germline.

Labcorp Genetics (formerly Invitae), Labcorp
Classification: Uncertain significance for Hereditary diffuse gastric adenocarcinoma. Last evaluated: 2019-02-27. Review status: criteria provided, single submitter. Criteria: Invitae Variant Classification Sherloc (09022015). Collection method: clinical testing. Allele origin: germline.
Comment: In summary, the available evidence is currently insufficient to determine the role of this variant in disease. Therefore, it has been classified as a Variant of Uncertain Significance. Algorithms developed to predict the effect of missense changes on protein structure and function output the following: SIFT: "Tolerated"; PolyPhen-2: "Benign"; Align-GVGD: "Class C0". The glutamic acid amino acid residue is found in multiple mammalian species, suggesting that this missense change does not adversely affect protein function. These predictions have not been confirmed by published functional studies and their clinical significance is uncertain. This variant has not been reported in the literature in individuals with CDH1-related conditions. This variant is not present in population databases (ExAC no frequency). This sequence change replaces glutamine with glutamic acid at codon 351 of the CDH1 protein (p.Gln351Glu). The glutamine residue is moderately conserved and there is a small physicochemical difference between glutamine and glutamic acid.